The following is an entry in ClinVar:

ClinVar aggregate classification (germline): Conflicting classifications of pathogenicity. Review status: criteria provided, conflicting classifications (1 of 4 stars). 7 submissions from 5 submitters: Uncertain significance (2); Likely benign (5). Last evaluated 2025-12-26.

Conditions:
RPGRIP1-related disorder. Also called: RPGRIP1-related condition.
Cone-rod dystrophy 13 (CORD13). Identifiers: Orphanet 1872, MedGen C2750720, MONDO:0011987, OMIM 608194.
Leber congenital amaurosis 6 (LCA6). Identifiers: Orphanet 65, MedGen C1854260, MONDO:0013446, OMIM 613826.

Allele frequency attached by ClinVar (database versions not stated): gnomAD 0.00002 and 0.00005; gnomAD exomes 0.00002 and 0.00007; ExAC 0.00008; TOPMed 0.00010; 1000 Genomes Project 0.00080; 1000 Genomes Project 30x 0.00094.
gnomAD v4.1: 42 of 1,613,560 alleles (0.0026%); highest among the groups gnomAD compares: East Asian, 0.074%; no homozygotes.

Submissions (7):

Labcorp Genetics (formerly Invitae), Labcorp
Classification: Likely benign for Leber congenital amaurosis 6; Cone-rod dystrophy 13. Last evaluated: 2025-12-26. Review status: criteria provided, single submitter. Criteria: Invitae Variant Classification Sherloc (09022015). Collection method: clinical testing. Allele origin: germline.

PreventionGenetics, part of Exact Sciences
Classification: Likely benign for RPGRIP1-related condition. Last evaluated: 2025-05-29. Review status: criteria provided, single submitter. Criteria: ACMG Guidelines, 2015. Collection method: clinical testing. Allele origin: germline.
Comment: This variant is classified as likely benign based on ACMG/AMP sequence variant interpretation guidelines (Richards et al. 2015 PMID: 25741868, with internal and published modifications).

Blueprint Genetics
Classification: Likely benign. Last evaluated: 2023-12-15. Review status: criteria provided, single submitter. Criteria: ACMG Guidelines, 2015. Collection method: clinical testing. Allele origin: germline.

Genome-Nilou Lab
Classification: Likely benign for Leber congenital amaurosis 6. Last evaluated: 2021-11-07. Review status: criteria provided, single submitter. Criteria: ACMG Guidelines, 2015. Collection method: clinical testing. Allele origin: germline. Affected: no.

Genome-Nilou Lab
Classification: Likely benign for Cone-rod dystrophy 13. Last evaluated: 2021-11-07. Review status: criteria provided, single submitter. Criteria: ACMG Guidelines, 2015. Collection method: clinical testing. Allele origin: germline. Affected: no.

Illumina Laboratory Services, Illumina
Classification: Uncertain significance for Leber congenital amaurosis 6. Last evaluated: 2018-01-12. Review status: criteria provided, single submitter. Criteria: ICSL Variant Classification Criteria 13 December 2019. Collection method: clinical testing. Allele origin: germline.

Illumina Laboratory Services, Illumina
Classification: Uncertain significance for Cone-rod dystrophy 13. Last evaluated: 2018-01-12. Review status: criteria provided, single submitter. Criteria: ICSL Variant Classification Criteria 13 December 2019. Collection method: clinical testing. Allele origin: germline.

NM_020366.4(RPGRIP1):c.1401A>G (p.Gln467=)

Gene: RPGRIP1 (RPGR interacting protein 1; plus strand). Cytogenetic location: 14q11.2.
Variant type: single nucleotide variant.
Coding change: c.1401A>G on transcript NM_020366.4 (MANE Select); coding-DNA position 1401, A replaced by G.
Protein change: p.Gln467=; no amino-acid change (glutamine 467 retained).
Molecular consequence: synonymous variant.
Genome position (GRCh38, 1-based): chr14:21,320,111, A>G. VCF-style: chr14-21320111-A-G. GRCh37 (hg19) VCF-style: chr14-21788270-A-G.
Other names: c.327A>G, p.Gln109= (NM_001377523.1, NM_001377948.1, NM_001377949.1 and 1 more transcripts).
Identifiers: ClinVar variation 312789 (VCV000312789.18), dbSNP rs184853466, ClinGen allele CA7088958.
Genomic context (GRCh38, chr14:21,320,111, plus strand): 5'-CATACTTCAGAAGCATAAACAGGAAGTAGAGCTCCTCCAAAATGCAGCCACAATTTCCCA[A>G]CCTCCTGACAGGCAATCTGAACCAGCCACTCACCCAGCTGTATTGCAAGAGAACACTCAG-3'
Protein context (NP_065099.3, residues 457-477): ELLQNAATIS[Gln467=]PPDRQSEPAT